The following is an entry in ClinVar:

NM_022356.4(P3H1):c.1526C>A (p.Pro509His)

Gene: P3H1 (prolyl 3-hydroxylase 1; minus strand). Cytogenetic location: 1p34.2.
Variant type: single nucleotide variant.
Coding change: c.1526C>A on transcript NM_022356.4 (MANE Select); coding-DNA position 1526, C replaced by A.
Protein change: p.Pro509His; replaces proline 509 with histidine.
Molecular consequence: missense variant.
Genome position (GRCh38, 1-based): chr1:42,752,317, G>T on the plus strand (C>A on the coding strand, the complement: P3H1 is on the minus strand). VCF-style: chr1-42752317-G-T. GRCh37 (hg19) VCF-style: chr1-43217988-G-T.
Other names: c.1526C>A, p.Pro509His (NM_001146289.2, NM_001243246.2); short protein forms P509H.
Identifiers: ClinVar variation 2077298 (VCV002077298.2), dbSNP rs375305175, ClinGen allele CA801808.

ClinVar aggregate classification (germline): Uncertain significance (1 of 4 stars; one submission).

Conditions:
Osteogenesis imperfecta type 8 (OI8). Identifiers: MedGen C1970458, MONDO:0012581, OMIM 610915.

Allele frequency attached by ClinVar (database versions not stated): ExAC 0.00001; gnomAD 0.00001; gnomAD exomes 0.00001; TOPMed 0.00003; ESP Exome Variant Server 0.00008.
gnomAD v4.1: 19 of 1,614,128 alleles (0.0012%); highest among the groups gnomAD compares: Non-Finnish European, 0.0015%; no homozygotes.

Submission:

Labcorp Genetics (formerly Invitae), Labcorp
Classification: Uncertain significance for Osteogenesis imperfecta type 8. Last evaluated: 2025-04-24. Review status: criteria provided, single submitter. Criteria: Invitae Variant Classification Sherloc (09022015). Collection method: clinical testing. Allele origin: germline.
Comment: This sequence change replaces proline, which is neutral and non-polar, with histidine, which is basic and polar, at codon 509 of the P3H1 protein (p.Pro509His). This variant is present in population databases (rs375305175, gnomAD 0.004%). This variant has not been reported in the literature in individuals affected with P3H1-related conditions. ClinVar contains an entry for this variant (Variation ID: 2077298). Invitae Evidence Modeling of protein sequence and biophysical properties (such as structural, functional, and spatial information, amino acid conservation, physicochemical variation, residue mobility, and thermodynamic stability) indicates that this missense variant is expected to disrupt P3H1 protein function with a positive predictive value of 80%. In summary, the available evidence is currently insufficient to determine the role of this variant in disease. Therefore, it has been classified as a Variant of Uncertain Significance.